The following is an entry in ClinVar:

ClinVar aggregate classification (germline): Uncertain significance (1 of 4 stars; one submission).

Conditions:
Cenani-Lenz syndactyly syndrome. Also called: CENANI SYNDACTYLISM; SYNDACTYLY, TYPE VII. Identifiers: Orphanet 3258, MedGen C1859309, MONDO:0008931, OMIM 212780.
Congenital myasthenic syndrome 17. Identifiers: Orphanet 590, MedGen C4225377, MONDO:0014578, OMIM 616304.
Sclerosteosis 2 (SOST2). Identifiers: Orphanet 3152, MedGen C3280402, MONDO:0013679, OMIM 614305.

Allele frequency attached by ClinVar (database versions not stated): ExAC 0.00001; gnomAD 0.00001; TOPMed 0.00001.
gnomAD v4.1: 34 of 1,614,108 alleles (0.0021%); highest among the groups gnomAD compares: Non-Finnish European, 0.0027%; no homozygotes.

Submission:

Labcorp Genetics (formerly Invitae), Labcorp
Classification: Uncertain significance for Cenani-Lenz syndactyly syndrome; Sclerosteosis 2; Congenital myasthenic syndrome 17. Last evaluated: 2022-06-07. Review status: criteria provided, single submitter. Criteria: Invitae Variant Classification Sherloc (09022015). Collection method: clinical testing. Allele origin: germline.
Comment: This sequence change replaces asparagine, which is neutral and polar, with isoleucine, which is neutral and non-polar, at codon 1152 of the LRP4 protein (p.Asn1152Ile). This variant is present in population databases (rs761925202, gnomAD 0.002%). This variant has not been reported in the literature in individuals affected with LRP4-related conditions. Algorithms developed to predict the effect of missense changes on protein structure and function (SIFT, PolyPhen-2, Align-GVGD) all suggest that this variant is likely to be disruptive. In summary, the available evidence is currently insufficient to determine the role of this variant in disease. Therefore, it has been classified as a Variant of Uncertain Significance.

NM_002334.4(LRP4):c.3455A>T (p.Asn1152Ile)

Gene: LRP4 (LDL receptor related protein 4; minus strand). Cytogenetic location: 11p11.2.
Variant type: single nucleotide variant.
Coding change: c.3455A>T on transcript NM_002334.4 (MANE Select); coding-DNA position 3455, A replaced by T.
Protein change: p.Asn1152Ile; replaces asparagine 1152 with isoleucine.
Molecular consequence: missense variant.
Genome position (GRCh38, 1-based): chr11:46,876,547, T>A on the plus strand (A>T on the coding strand, the complement: LRP4 is on the minus strand). VCF-style: chr11-46876547-T-A. GRCh37 (hg19) VCF-style: chr11-46898098-T-A.
Other names: short protein forms N1152I.
Identifiers: ClinVar variation 2062319 (VCV002062319.1), dbSNP rs761925202, ClinGen allele CA5969593.